The following is an entry in ClinVar:

ClinVar aggregate classification (germline): Uncertain significance (1 of 4 stars; one submission).

Allele frequency attached by ClinVar (database versions not stated): gnomAD 0.00001; TOPMed 0.00001.
gnomAD v4.1: 5 of 1,613,822 alleles (0.00031%); highest among the groups gnomAD compares: Non-Finnish European, 0.00042%; no homozygotes.

Submission:

Labcorp Genetics (formerly Invitae), Labcorp
Classification: Uncertain significance. Last evaluated: 2022-12-20. Review status: criteria provided, single submitter. Criteria: Invitae Variant Classification Sherloc (09022015). Collection method: clinical testing. Allele origin: germline.
Comment: In summary, the available evidence is currently insufficient to determine the role of this variant in disease. Therefore, it has been classified as a Variant of Uncertain Significance. Algorithms developed to predict the effect of missense changes on protein structure and function are either unavailable or do not agree on the potential impact of this missense change (SIFT: "Deleterious"; PolyPhen-2: "Benign"; Align-GVGD: "Class C0"). This variant has not been reported in the literature in individuals affected with ACVR1-related conditions. This variant is not present in population databases (gnomAD no frequency). This sequence change replaces histidine, which is basic and polar, with aspartic acid, which is acidic and polar, at codon 47 of the ACVR1 protein (p.His47Asp).

NM_001111067.4(ACVR1):c.139C>G (p.His47Asp)

Gene: ACVR1 (activin A receptor type 1; minus strand). Cytogenetic location: 2q24.1.
Variant type: single nucleotide variant.
Coding change: c.139C>G on transcript NM_001111067.4 (MANE Select); coding-DNA position 139, C replaced by G.
Protein change: p.His47Asp; replaces histidine 47 with aspartic acid.
Molecular consequence: missense variant.
Genome position (GRCh38, 1-based): chr2:157,780,529, G>C on the plus strand (C>G on the coding strand, the complement: ACVR1 is on the minus strand). VCF-style: chr2-157780529-G-C. GRCh37 (hg19) VCF-style: chr2-158637041-G-C.
Other names: c.139C>G, p.His47Asp (NM_001105.5, NM_001347663.1, NM_001347664.1 and 3 more transcripts); short protein forms H47D.
Identifiers: ClinVar variation 3014545 (VCV003014545.3), dbSNP rs889434177, ClinGen allele CA349193921.